The following is an entry in ClinVar:

ClinVar aggregate classification (germline): Pathogenic/Likely pathogenic. Review status: criteria provided, multiple submitters, no conflicts (2 of 4 stars). 12 submissions from 12 submitters: Pathogenic (10); Likely pathogenic (1). 1 of the submissions does not count toward it. Last evaluated 2026-04-01.

Conditions:
UNC13D-related disorder. Also called: UNC13D-related condition.
Familial hemophagocytic lymphohistiocytosis (FHL). Also called: Hereditary hemophagocytic lymphohistiocytosis; Familial erythrophagocytic lymphohistiocytosis; Familial histiocytic reticulosis. Identifiers: Orphanet 158038, Orphanet 540, MedGen C0272199, MONDO:0015541.
Primary ciliary dyskinesia. Also called: Ciliary dyskinesia. Identifiers: Orphanet 244, MedGen C0008780, MONDO:0016575, HP:0012265.
Familial hemophagocytic lymphohistiocytosis 3 (FHL3). Also called: UNC13D-Related Familial Hemophagocytic Lymphohistiocytosis (UNC13D-fHLH). Identifiers: Orphanet 540, MedGen C1837174, MONDO:0012146, OMIM 608898.

Allele frequency attached by ClinVar (database versions not stated): gnomAD 0.00003 and 0.00004; ExAC 0.00004; TOPMed 0.00004; 1000 Genomes Project 0.00040; 1000 Genomes Project 30x 0.00047.

Submissions (12):

Department of Human Genetics, Hannover Medical School
Classification: Likely pathogenic for Primary Ciliary Dyskinesia. Last evaluated: 2026-04-01. Review status: criteria provided, single submitter. Criteria: ACMG Guidelines, 2015. Collection method: research. Allele origin: germline. Affected: no.
Comment: Classification performed by HerediClassify using the following criteria:['PM2_supporting: Variant occures does not occur as homozygous in gnomAD.', 'PVS1_splicing_very_strong: Transcript ENST00000207549 undergoes NMD.']

Dasa
Classification: Pathogenic. Last evaluated: 2026-01-02. Review status: criteria provided, single submitter. Criteria: DASA Assertion Criteria. Collection method: clinical testing. Allele origin: germline.
Comment: NM_199242.3(UNC13D):c.753+1G>T affects a canonical splice site and is predicted to disrupt normal RNA splicing, leading to loss of normal protein function. Loss-of-function is an established mechanism of disease for this gene. This variant has been recurrently observed in affected individuals with related phenotype in a genotype context consistent with recessive disease (PMID: 16825436; PMID: 18492689; PMID: 21248318). The variant is present at low frequency in population datasets. Based on the available data, this variant is classified as pathogenic.

Women's Health and Genetics/Laboratory Corporation of America, LabCorp
Classification: Pathogenic for Familial hemophagocytic lymphohistiocytosis. Last evaluated: 2025-11-24. Review status: criteria provided, single submitter. Criteria: LabCorp Variant Classification Summary - May 2015. Collection method: clinical testing. Allele origin: germline.
Comment: Variant summary: UNC13D c.753+1G>T is located in a canonical splice-site and is predicted to affect mRNA splicing resulting in a significantly altered protein due to either exon skipping, shortening, or inclusion of intronic material. Variants that disrupt the consensus splice site are a relatively common cause of aberrant splicing and loss of UNC13D function. Several computational tools predict a significant impact on normal splicing: Four predict the variant abolishes a 5' splicing donor site. The variant allele was found at a frequency of 4.4e-05 in 251410 control chromosomes. This frequency is not significantly higher than estimated for disease-causing variants in UNC13D, allowing no conclusion about variant significance. c.753+1G>T has been observed as homozygous and compound heterozygous in multiple individuals affected with Familial Hemophagocytic Lymphohistiocytosis (e.g., Sieni_2011). These data indicate that the variant is very likely to be associated with disease. The following publication has been ascertained in the context of this evaluation (PMID: 21248318). ClinVar contains an entry for this variant (Variation ID: 2001). Based on the evidence outlined above, the variant was classified as pathogenic.

3billion
Classification: Pathogenic for Familial hemophagocytic lymphohistiocytosis 3. Last evaluated: 2025-11-10. Review status: criteria provided, single submitter. Criteria: ACMG Guidelines, 2015. Collection method: clinical testing. Allele origin: germline. Affected: yes.
Comment: The variant is observed at an extremely low frequency in the gnomAD v4.1.0 dataset (total allele frequency: 0.006%). Predicted Consequence/Location: Canonical splice site: predicted to alter splicing and result in a loss or disruption of normal protein function. Multiple pathogenic loss-of-function variants are reported downstream of the variant. In silico tools predict the variant to alter splicing and produce an abnormal transcript [SpliceAI: 0.99 (spliceogenicity >=0.2, non-spliceogenicity <0.1)]. The variant has been reported at least twice as pathogenic with clinical assertions and evidence for the classification (ClinVar ID: VCV000002001 /PMID: 14622600). The variant has been reported to result in exon skipping (PMID: 18492689). Therefore, this variant is classified as Pathogenic according to the recommendation of ACMG/AMP guideline.

Labcorp Genetics (formerly Invitae), Labcorp
Classification: Pathogenic for Familial hemophagocytic lymphohistiocytosis 3. Last evaluated: 2024-08-20. Review status: criteria provided, single submitter. Criteria: Invitae Variant Classification Sherloc (09022015). Collection method: clinical testing. Allele origin: germline.
Comment: This sequence change affects a donor splice site in intron 9 of the UNC13D gene. RNA analysis indicates that disruption of this splice site induces altered splicing and may result in an absent or altered protein product. This variant is present in population databases (rs201908137, gnomAD 0.02%). Disruption of this splice site has been observed in individuals with hemophagocytic lymphohistiocytosis (PMID: 14622600, 16825436, 18492689, 21248318, 23669735, 24825797, 25573973). ClinVar contains an entry for this variant (Variation ID: 2001). Studies have shown that disruption of this splice site results in skipping of exon 9, and produces a non-functional protein and/or introduces a premature termination codon (PMID: 18492689). For these reasons, this variant has been classified as Pathogenic.

Blueprint Genetics
Classification: Pathogenic for UNC13D-related disorders. Last evaluated: 2024-06-10. Review status: criteria provided, single submitter. Criteria: ACMG Guidelines, 2015. Collection method: clinical testing. Allele origin: germline. Affected: yes. Observed: 5 variant alleles.

Fulgent Genetics
Classification: Pathogenic for Familial hemophagocytic lymphohistiocytosis 3. Last evaluated: 2024-05-21. Review status: criteria provided, single submitter. Criteria: ACMG Guidelines, 2015. Collection method: clinical testing. Allele origin: germline.

Genomic Medicine Center of Excellence, King Faisal Specialist Hospital and Research Centre
Classification: Pathogenic for Familial hemophagocytic lymphohistiocytosis 3. Last evaluated: 2024-04-04. Review status: criteria provided, single submitter. Criteria: ACMG Guidelines, 2015. Collection method: clinical testing. Allele origin: germline.

GeneDx
Classification: Pathogenic. Last evaluated: 2024-03-26. Review status: criteria provided, single submitter. Criteria: GeneDx Variant Classification Process June 2021. Collection method: clinical testing. Allele origin: germline. Affected: yes.
Comment: Canonical splice site variant predicted to result in a null allele in a gene for which loss of function is a known mechanism of disease; This variant is associated with the following publications: (PMID: 19704116, 23669735, 24825797, 25573973, 25525159, 14622600, 16825436, 21248318, 18492689, 32542393, 31589614, 34797807, 34677667)

Institute of Human Genetics, University of Leipzig Medical Center
Classification: Pathogenic for Familial hemophagocytic lymphohistiocytosis 3. Last evaluated: 2024-01-15. Review status: criteria provided, single submitter. Criteria: ACMG Guidelines, 2015. Collection method: clinical testing. Allele origin: maternal. Affected: yes.
Comment: Criteria applied: PVS1,PS4_MOD,PM2_SUP

Eurofins Ntd Llc (ga)
Classification: Pathogenic. Last evaluated: 2016-01-22. Review status: criteria provided, single submitter. Criteria: EGL Classification Definitions 2015. Collection method: clinical testing. Allele origin: germline. Observed: 1 variant allele, 1 heterozygote.

OMIM
Classification: Pathogenic for HEMOPHAGOCYTIC LYMPHOHISTIOCYTOSIS, FAMILIAL, 3. Last evaluated: 2006-12-01. Review status: no assertion criteria provided. Collection method: literature only. Allele origin: germline. Not counted in ClinVar's aggregate classification.

Literature cited by the submitters: PubMed 16825436 (cited by 3 submitters); PubMed 18492689 (cited by Dasa and Labcorp Genetics (formerly Invitae), Labcorp); PubMed 21248318 (cited by 3 submitters); PubMed 14622600 (cited by 3 submitters); PubMed 23669735 (cited by Labcorp Genetics (formerly Invitae), Labcorp); PubMed 24825797 (cited by Labcorp Genetics (formerly Invitae), Labcorp); PubMed 25573973 (cited by Labcorp Genetics (formerly Invitae), Labcorp).

NM_199242.3(UNC13D):c.753+1G>T

Gene: UNC13D (unc-13 homolog D; minus strand). Cytogenetic location: 17q25.1.
Variant type: single nucleotide variant.
Coding change: c.753+1G>T on transcript NM_199242.3 (MANE Select); the canonical splice donor site of the intron after coding-DNA position 753, G replaced by T.
Molecular consequence: splice donor variant.
Genome position (GRCh38, 1-based): chr17:75,840,506, C>A on the plus strand (G>T on the coding strand, the complement: UNC13D is on the minus strand). VCF-style: chr17-75840506-C-A. GRCh37 (hg19) VCF-style: chr17-73836587-C-A.
Other names: IVS9DS, G-T, +1.
Identifiers: ClinVar variation 2001 (VCV000002001.25), dbSNP rs201908137, ClinGen allele CA252034.